The following is an entry in ClinVar:

NM_001299.6(CNN1):c.564C>T (p.Leu188=)

Gene: CNN1 (calponin 1; plus strand). Cytogenetic location: 19p13.2.
Variant type: single nucleotide variant.
Coding change: c.564C>T on transcript NM_001299.6 (MANE Select); coding-DNA position 564, C replaced by T.
Protein change: p.Leu188=; no amino-acid change (leucine 188 retained).
Molecular consequence: synonymous variant.
Genome position (GRCh38, 1-based): chr19:11,549,385, C>T. VCF-style: chr19-11549385-C-T. GRCh37 (hg19) VCF-style: chr19-11660200-C-T.
Other names: c.414C>T, p.Leu138= (NM_001308341.2, NM_001308342.2).
Identifiers: ClinVar variation 2649335 (VCV002649335.24), dbSNP rs147229692, ClinGen allele CA9215008.

ClinVar aggregate classification (germline): Likely benign (1 of 4 stars; one submission).

Allele frequency attached by ClinVar (database versions not stated): 1000 Genomes Project 30x 0.00031; 1000 Genomes Project 0.00040; ESP Exome Variant Server 0.00115.

Submission:

CeGaT Center for Human Genetics Tuebingen
Classification: Likely benign. Last evaluated: 2022-09-01. Review status: criteria provided, single submitter. Criteria: CeGaT Center For Human Genetics Tuebingen Variant Classification Criteria Version 2. Collection method: clinical testing. Allele origin: germline. Affected: yes. Observed: 1 variant allele.
Comment: CNN1: BP4, BP7